The following is an entry in ClinVar:

NM_000059.4(BRCA2):c.9380G>T (p.Trp3127Leu)

Gene: BRCA2 (BRCA2 DNA repair associated; plus strand). Cytogenetic location: 13q13.1.
Variant type: single nucleotide variant.
Coding change: c.9380G>T on transcript NM_000059.4 (MANE Select); coding-DNA position 9380, G replaced by T.
Protein change: p.Trp3127Leu; replaces tryptophan 3127 with leucine.
Molecular consequence: missense variant. On other transcripts: non-coding transcript variant (1).
Genome position (GRCh38, 1-based): chr13:32,394,812, G>T. VCF-style: chr13-32394812-G-T. GRCh37 (hg19) VCF-style: chr13-32968949-G-T.
Other names: c.9284G>T, p.Trp3095Leu (NM_001406719.1); c.9329G>T, p.Trp3110Leu (NM_001406720.1); c.4448G>T, p.Trp1483Leu (NM_001406721.1); c.2963G>T, p.Trp988Leu (NM_001406722.1); c.9380G>T, p.Trp3127Leu (NM_001432077.1); short protein forms W3127L, W1483L, W988L, W3095L, W3110L.
Identifiers: ClinVar variation 4215760 (VCV004215760.1).

ClinVar aggregate classification (germline): Uncertain significance (1 of 4 stars; one submission).

Conditions:
Hereditary cancer-predisposing syndrome. Also called: Hereditary Cancer Syndrome; Hereditary neoplastic syndrome; Neoplastic Syndromes, Hereditary; Tumor predisposition. Identifiers: Orphanet 140162, MedGen C0027672, MeSH D009386, MONDO:0015356.

Submission:

Ambry Genetics
Classification: Uncertain significance for Hereditary cancer-predisposing syndrome. Last evaluated: 2025-06-24. Review status: criteria provided, single submitter. Criteria: Ambry Variant Classification Scheme 2023. Collection method: clinical testing. Allele origin: germline.
Comment: The p.W3127L variant (also known as c.9380G>T), located in coding exon 24 of the BRCA2 gene, results from a G to T substitution at nucleotide position 9380. The tryptophan at codon 3127 is replaced by leucine, an amino acid with similar properties. This amino acid position is conserved. In addition, the in silico prediction for this alteration is inconclusive. Based on the available evidence, the clinical significance of this variant remains unclear.